The following is an entry in ClinVar:

NM_177438.3(DICER1):c.1706T>C (p.Ile569Thr)

Gene: DICER1 (dicer 1, ribonuclease III; minus strand). Cytogenetic location: 14q32.13.
Variant type: single nucleotide variant.
Coding change: c.1706T>C on transcript NM_177438.3 (MANE Select); coding-DNA position 1706, T replaced by C.
Protein change: p.Ile569Thr; replaces isoleucine 569 with threonine.
Molecular consequence: missense variant.
Genome position (GRCh38, 1-based): chr14:95,116,499, A>G on the plus strand (T>C on the coding strand, the complement: DICER1 is on the minus strand). VCF-style: chr14-95116499-A-G. GRCh37 (hg19) VCF-style: chr14-95582836-A-G.
Other names: c.1706T>C, p.Ile569Thr (NM_030621.4, NM_001271282.3, NM_001291628.2 and 1 more transcripts); short protein forms I569T.
Identifiers: ClinVar variation 543647 (VCV000543647.12), dbSNP rs1555372847, ClinGen allele CA390884749.

ClinVar aggregate classification (germline): Conflicting classifications of pathogenicity. Review status: criteria provided, conflicting classifications (1 of 4 stars). 3 submissions from 3 submitters: Uncertain significance (1); Benign (1); Likely benign (1). Last evaluated 2026-07-06.

Conditions:
Hereditary cancer-predisposing syndrome. Also called: Hereditary Cancer Syndrome; Tumor predisposition; Hereditary neoplastic syndrome; Neoplastic Syndromes, Hereditary. Identifiers: Orphanet 140162, MedGen C0027672, MeSH D009386, MONDO:0015356.
Ovarian cancer. Also called: OVARIAN CANCER, SOMATIC. Identifiers: Orphanet 213500, MedGen C1140680, MONDO:0008170, OMIM 167000.
DICER1-related tumor predisposition. Also called: DICER1 syndrome; DICER1-related pleuropulmonary blastoma cancer predisposition syndrome. Identifiers: Orphanet 284343, MedGen C3839822, MONDO:0100216.

Allele frequency attached by ClinVar (database versions not stated): gnomAD exomes below 0.00001.
gnomAD v4.1: 2 of 1,613,642 alleles (0.00012%); highest among the groups gnomAD compares: East Asian, 0.0022%; no homozygotes.

Submissions (3):

Ambry Genetics
Classification: Likely benign for Hereditary cancer-predisposing syndrome. Last evaluated: 2026-07-06. Review status: criteria provided, single submitter. Criteria: Ambry Variant Classification Scheme 2023. Collection method: clinical testing. Allele origin: germline.

Labcorp Genetics (formerly Invitae), Labcorp
Classification: Uncertain significance for DICER1-related tumor predisposition. Last evaluated: 2024-11-28. Review status: criteria provided, single submitter. Criteria: Invitae Variant Classification Sherloc (09022015). Collection method: clinical testing. Allele origin: germline.
Comment: This sequence change replaces isoleucine, which is neutral and non-polar, with threonine, which is neutral and polar, at codon 569 of the DICER1 protein (p.Ile569Thr). This variant is not present in population databases (gnomAD no frequency). This variant has not been reported in the literature in individuals affected with DICER1-related conditions. ClinVar contains an entry for this variant (Variation ID: 543647). Invitae Evidence Modeling of protein sequence and biophysical properties (such as structural, functional, and spatial information, amino acid conservation, physicochemical variation, residue mobility, and thermodynamic stability) indicates that this missense variant is not expected to disrupt DICER1 protein function with a negative predictive value of 95%. In summary, the available evidence is currently insufficient to determine the role of this variant in disease. Therefore, it has been classified as a Variant of Uncertain Significance.

Laboratory of Molecular Epidemiology of Birth Defects, West China Second University Hospital, Sichuan University
Classification: Benign for Ovarian cancer. Last evaluated: 2022-01-01. Review status: criteria provided, single submitter. Criteria: ACMG Guidelines, 2015. Collection method: clinical testing. Allele origin: germline. Affected: yes.